The following is an entry in ClinVar:

ClinVar aggregate classification (germline): Likely benign (1 of 4 stars; one submission).

Allele frequency attached by ClinVar (database versions not stated): TOPMed 0.00002; gnomAD exomes 0.00005; ExAC 0.00007; gnomAD 0.00003.

Submission:

GeneDx
Classification: Likely benign. Last evaluated: 2016-04-22. Review status: criteria provided, single submitter. Criteria: GeneDx Variant Classification (06012015). Collection method: clinical testing. Allele origin: germline. Affected: yes.
Comment: This variant is considered likely benign or benign based on one or more of the following criteria: it is a conservative change, it occurs at a poorly conserved position in the protein, it is predicted to be benign by multiple in silico algorithms, and/or has population frequency not consistent with disease.

NM_007078.3(LDB3):c.-19G>A

Genes: LDB3 (LIM domain binding 3; plus strand), LOC130004243 (ATAC-STARR-seq lymphoblastoid active region 3695; plus strand). Cytogenetic location: 10q23.2.
Variant type: single nucleotide variant.
Coding change: c.-19G>A on transcript NM_007078.3 (MANE Select); 19 bases upstream of the start codon, G replaced by A.
Molecular consequence: 5 prime UTR variant.
Genome position (GRCh38, 1-based): chr10:86,668,673, G>A. VCF-style: chr10-86668673-G-A. GRCh37 (hg19) VCF-style: chr10-88428430-G-A.
Other names: c.-19G>A (NM_001080114.2, NM_001080115.2, NM_001080116.1 and 8 more transcripts).
Identifiers: ClinVar variation 379080 (VCV000379080.1), dbSNP rs770775053, ClinGen allele CA5584554.